The following continues an entry in ClinVar:

NM_000143.4(FH):c.1189G>A (p.Gly397Arg)

Gene: FH. ClinVar aggregate classification (germline): Pathogenic/Likely pathogenic. Pathogenic (11); Likely pathogenic (3).

Submissions 11 to 17 of 17:

3billion
Classification: Likely pathogenic for Fumarase deficiency. Last evaluated: 2022-05-22. Review status: criteria provided, single submitter. Criteria: ACMG Guidelines, 2015. Collection method: clinical testing. Allele origin: germline. Affected: yes. Observed: 1 heterozygote.
Comment: The variant is observed at an extremely low frequency in the gnomAD v2.1.1 dataset (total allele frequency: <0.001%). In silico tool predictions suggest damaging effect of the variant on gene or gene product (REVEL: 0.82; 3Cnet: 0.99). Functional studies provide evidence of the variant reducing the FH enzymatic activity by ~50% in peripheral blood lymphocytes (PMID: 21398687) Same nucleotide change resulting in same amino acid change has been previously reported as pathogenic/likely pathogenic with strong evidence for an allelic disorder, autosomal dominant Hereditary Leiomyomatosis and Renal Cell Cancer (HLRCC) (OMIM: 150800) (ClinVar ID: VCV000214422). Therefore, this variant is classified as likely pathogenic according to the recommendation of ACMG/AMP guideline.

MGZ Medical Genetics Center
Classification: Pathogenic for Hereditary leiomyomatosis and renal cell cancer. Last evaluated: 2021-07-09. Review status: criteria provided, single submitter. Criteria: ACMG Guidelines, 2015. Collection method: clinical testing. Allele origin: germline. Affected: yes. Observed: 1 variant allele.
Comment: ACMG criteria applied: PS3, PS4, PM2_SUP, PP1, PP3

Genomic Diagnostic Laboratory, Division of Genomic Diagnostics, Children's Hospital of Philadelphia
Classification: Pathogenic for Hereditary leiomyomatosis and renal cell cancer. Last evaluated: 2017-01-17. Review status: criteria provided, single submitter. Criteria: DGD Variant Analysis Guidelines. Collection method: clinical testing. Allele origin: germline. Affected: yes. Observed: 11 variant alleles.
Comment: Clinical Testing

Juno Genomics, Hangzhou Juno Genomics, Inc
Classification: Likely pathogenic for Fumarase deficiency; Hereditary leiomyomatosis and renal cell cancer. Review status: criteria provided, single submitter. Criteria: ACMG Guidelines, 2015. Collection method: clinical testing. Allele origin: germline.
Comment: Absent from controls (or at extremely low frequency if recessive) in Genome Aggregation Database.;The prevalence of the variant in affected individuals is significantly increased compared to the prevalence in controls.;Multiple lines of computational evidence support a deleterious effect on the gene or gene product.

Department of Traditional Chinese Medicine, Fujian Provincial Hospital
Classification: Pathogenic for Hereditary leiomyomatosis and renal cell cancer. Review status: no assertion criteria provided. Collection method: research. Allele origin: germline. Affected: yes. Observed: 1 compound heterozygote. Not counted in ClinVar's aggregate classification.

Diagnostic Laboratory, Department of Genetics, University Medical Center Groningen
Classification: Pathogenic. Review status: no assertion criteria provided. Collection method: clinical testing. Allele origin: germline. Affected: yes. Study: VKGL Data-share Consensus. Not counted in ClinVar's aggregate classification.

Joint Genome Diagnostic Labs from Nijmegen and Maastricht, Radboudumc and MUMC+
Classification: Pathogenic. Review status: no assertion criteria provided. Collection method: clinical testing. Allele origin: germline. Affected: yes. Study: VKGL Data-share Consensus. Not counted in ClinVar's aggregate classification.

Literature cited by the submitters: PubMed 12761039 (cited by 5 submitters); PubMed 19967458 (cited by 5 submitters); PubMed 20618355 (cited by 6 submitters); PubMed 21398687 (cited by 5 submitters); PubMed 19183174 (cited by Ambry Genetics and Quest Diagnostics Nichols Institute San Juan Capistrano); PubMed 19939761 (cited by Ambry Genetics and Quest Diagnostics Nichols Institute San Juan Capistrano); PubMed 21445611 (cited by Ambry Genetics and Quest Diagnostics Nichols Institute San Juan Capistrano); PubMed 21630274 (cited by Ambry Genetics and Quest Diagnostics Nichols Institute San Juan Capistrano); PubMed 24441663 (cited by 3 submitters); PubMed 26900816 (cited by Ambry Genetics and Quest Diagnostics Nichols Institute San Juan Capistrano); PubMed 31636096 (cited by Ambry Genetics and Quest Diagnostics Nichols Institute San Juan Capistrano); PubMed 16237213 (cited by Myriad Genetics, Inc.); PubMed 31831373 (cited by Myriad Genetics, Inc.); PubMed 25790038 (cited by Quest Diagnostics Nichols Institute San Juan Capistrano); PubMed 28748451 (cited by Quest Diagnostics Nichols Institute San Juan Capistrano).